The following is an entry in ClinVar:

ClinVar aggregate classification (germline): Uncertain significance (1 of 4 stars; one submission).

Allele frequency attached by ClinVar (database versions not stated): ExAC 0.00001; gnomAD exomes 0.00001.
gnomAD v4.1: 8 of 1,614,084 alleles (0.0005%); highest among the groups gnomAD compares: South Asian, 0.0044%; no homozygotes.

Submission:

Labcorp Genetics (formerly Invitae), Labcorp
Classification: Uncertain significance. Last evaluated: 2022-08-16. Review status: criteria provided, single submitter. Criteria: Invitae Variant Classification Sherloc (09022015). Collection method: clinical testing. Allele origin: germline.
Comment: In summary, the available evidence is currently insufficient to determine the role of this variant in disease. Therefore, it has been classified as a Variant of Uncertain Significance. This variant has not been reported in the literature in individuals affected with LRP2-related conditions. Advanced modeling of protein sequence and biophysical properties (such as structural, functional, and spatial information, amino acid conservation, physicochemical variation, residue mobility, and thermodynamic stability) performed at Invitae indicates that this missense variant is expected to disrupt LRP2 protein function. This variant is present in population databases (rs751935425, gnomAD 0.006%). This sequence change replaces serine, which is neutral and polar, with tyrosine, which is neutral and polar, at codon 2132 of the LRP2 protein (p.Ser2132Tyr).

NM_004525.3(LRP2):c.6395C>A (p.Ser2132Tyr)

Gene: LRP2 (LDL receptor related protein 2; minus strand). Cytogenetic location: 2q31.1.
Variant type: single nucleotide variant.
Coding change: c.6395C>A on transcript NM_004525.3 (MANE Select); coding-DNA position 6395, C replaced by A.
Protein change: p.Ser2132Tyr; replaces serine 2132 with tyrosine.
Molecular consequence: missense variant.
Genome position (GRCh38, 1-based): chr2:169,209,527, G>T on the plus strand (C>A on the coding strand, the complement: LRP2 is on the minus strand). VCF-style: chr2-169209527-G-T. GRCh37 (hg19) VCF-style: chr2-170066037-G-T.
Other names: short protein forms S2132Y.
Identifiers: ClinVar variation 2074941 (VCV002074941.4), dbSNP rs751935425, ClinGen allele CA1954301.